The following is an entry in ClinVar:

ClinVar aggregate classification (germline): Uncertain significance (1 of 4 stars; one submission).

Conditions:
Hereditary spastic paraplegia 30. Identifiers: Orphanet 101010, MedGen C5235139, MONDO:0012476.
Neuropathy, hereditary sensory, type 2C. Also called: KIF1A-Related HSAN2 (HSAN2C); Hereditary sensory and autonomic neuropathy type IIC. Identifiers: Orphanet 970, MedGen C3280168, MONDO:0013634, OMIM 614213.
Intellectual disability, autosomal dominant 9 (NESCAVS). Also called: KIF1A-Related Neurodevelopmental Disorder; NESCAV SYNDROME. Identifiers: Orphanet 662367, MedGen C5393830, MONDO:0013656, OMIM 614255.

Allele frequency attached by ClinVar (database versions not stated): gnomAD exomes below 0.00001; TOPMed below 0.00001; gnomAD 0.00001.
gnomAD v4.1: 3 of 1,613,576 alleles (0.00019%); highest among the groups gnomAD compares: Non-Finnish European, 0.00025%; no homozygotes.

Submission:

Labcorp Genetics (formerly Invitae), Labcorp
Classification: Uncertain significance for Hereditary spastic paraplegia 30; Neuropathy, hereditary sensory, type 2C; Intellectual disability, autosomal dominant 9. Last evaluated: 2023-09-06. Review status: criteria provided, single submitter. Criteria: Invitae Variant Classification Sherloc (09022015). Collection method: clinical testing. Allele origin: germline.
Comment: In summary, the available evidence is currently insufficient to determine the role of this variant in disease. Therefore, it has been classified as a Variant of Uncertain Significance. This sequence change replaces threonine, which is neutral and polar, with isoleucine, which is neutral and non-polar, at codon 1205 of the KIF1A protein (p.Thr1205Ile). This variant is not present in population databases (gnomAD no frequency). This variant has not been reported in the literature in individuals affected with KIF1A-related conditions. ClinVar contains an entry for this variant (Variation ID: 1479980). Advanced modeling of protein sequence and biophysical properties (such as structural, functional, and spatial information, amino acid conservation, physicochemical variation, residue mobility, and thermodynamic stability) performed at Invitae indicates that this missense variant is not expected to disrupt KIF1A protein function.

NM_001244008.2(KIF1A):c.3917C>T (p.Thr1306Ile)

Gene: KIF1A (kinesin family member 1A; minus strand). Cytogenetic location: 2q37.3.
Variant type: single nucleotide variant.
Coding change: c.3917C>T on transcript NM_001244008.2 (MANE Select); coding-DNA position 3917, C replaced by T.
Protein change: p.Thr1306Ile; replaces threonine 1306 with isoleucine.
Molecular consequence: missense variant.
Genome position (GRCh38, 1-based): chr2:240,737,153, G>A on the plus strand (C>T on the coding strand, the complement: KIF1A is on the minus strand). VCF-style: chr2-240737153-G-A. GRCh37 (hg19) VCF-style: chr2-241676570-G-A.
Other names: c.3641C>T, p.Thr1214Ile (NM_001320705.2, NM_001330289.2, NM_001379638.1); c.3716C>T, p.Thr1239Ile (NM_001330290.2, NM_001379634.1, NM_001379635.1 and 1 more transcripts); c.3992C>T, p.Thr1331Ile (NM_001379631.1); c.3866C>T, p.Thr1289Ile (NM_001379632.1); c.3890C>T, p.Thr1297Ile (NM_001379633.1, NM_001379642.1, NM_001379645.1); c.3728C>T, p.Thr1243Ile (NM_001379636.1); c.3689C>T, p.Thr1230Ile (NM_001379637.1, NM_001379648.1); c.3614C>T, p.Thr1205Ile (NM_001379639.1, NM_001379641.1, NM_001379649.1 and 4 more transcripts); and 1 more; short protein forms T1214I, T1239I, T1306I, T1204I, T1230I, T1289I, T1297I, T1205I.
Identifiers: ClinVar variation 1479980 (VCV001479980.6), dbSNP rs1382579533, ClinGen allele CA351312972.